The following is an entry in ClinVar:

ClinVar aggregate classification (germline): Benign. Review status: criteria provided, multiple submitters, no conflicts (2 of 4 stars). 2 submissions from 2 submitters: Benign (2). Last evaluated 2018-11-12.

Allele frequency attached by ClinVar (database versions not stated): 1000 Genomes Project 30x 0.27405; 1000 Genomes Project 0.28135; TOPMed 0.31366.
gnomAD v4.1: 624,579 of 1,613,692 alleles (39%); highest among the groups gnomAD compares: East Asian, 41%; 125,177 homozygotes.

Submissions (2):

GeneDx
Classification: Benign. Last evaluated: 2018-11-12. Review status: criteria provided, single submitter. Criteria: GeneDx Variant Classification Process June 2021. Collection method: clinical testing. Allele origin: germline. Affected: yes.
Comment: This variant is associated with the following publications: (PMID: 20650818, 10720078, 11904318)

Breakthrough Genomics
Classification: Benign. Review status: criteria provided, single submitter. Criteria: ACMG Guidelines, 2015. Collection method: not provided. Allele origin: germline. Inheritance: Autosomal recessive inheritance. Affected: yes.

NM_000515.5(GH1):c.456+90T>A

Genes: GH-LCR (growth hormone locus control region; plus strand), GH1 (growth hormone 1; minus strand). Cytogenetic location: 17q23.3.
Variant type: single nucleotide variant.
Coding change: c.456+90T>A on transcript NM_000515.5 (MANE Select); 90 bases into the intron after coding-DNA position 456, T replaced by A.
Molecular consequence: intron variant.
Genome position (GRCh38, 1-based): chr17:63,917,670, A>T on the plus strand (T>A on the coding strand, the complement: GH1 is on the minus strand). VCF-style: chr17-63917670-A-T. GRCh37 (hg19) VCF-style: chr17-61995030-A-T.
Other names: c.336+90T>A (NM_022560.4); c.411+90T>A (NM_022559.4).
Identifiers: ClinVar variation 1293215 (VCV001293215.3), dbSNP rs2665802, ClinGen allele CA14383686.